The following is an entry in ClinVar:

ClinVar aggregate classification (germline): Uncertain significance (1 of 4 stars; one submission).

gnomAD v4.1: 5 of 1,613,802 alleles (0.00031%); highest among the groups gnomAD compares: African/African-American, 0.0067%; no homozygotes.

Submission:

Women's Health and Genetics/Laboratory Corporation of America, LabCorp
Classification: Uncertain significance. Last evaluated: 2025-05-08. Review status: criteria provided, single submitter. Criteria: LabCorp Variant Classification Summary - May 2015. Collection method: clinical testing. Allele origin: germline.
Comment: Variant summary: COL27A1 c.2897A>G (p.Lys966Arg) results in a conservative amino acid change in the encoded protein sequence. Algorithms developed to predict the effect of missense changes on protein structure and function are either unavailable or do not agree on the potential impact of this missense change. The variant allele was found at a frequency of 1.2e-05 in 250416 control chromosomes. The available data on variant occurrences in the general population are insufficient to allow any conclusion about variant significance. To our knowledge, no occurrence of c.2897A>G in individuals affected with Steel syndrome and no experimental evidence demonstrating its impact on protein function have been reported. No submitters have cited clinical-significance assessments for this variant to ClinVar. Based on the evidence outlined above, the variant was classified as uncertain significance.

NM_032888.4(COL27A1):c.2897A>G (p.Lys966Arg)

Gene: COL27A1 (collagen type XXVII alpha 1 chain; plus strand). Cytogenetic location: 9q32.
Variant type: single nucleotide variant.
Coding change: c.2897A>G on transcript NM_032888.4 (MANE Select); coding-DNA position 2897, A replaced by G.
Protein change: p.Lys966Arg; replaces lysine 966 with arginine.
Molecular consequence: missense variant.
Genome position (GRCh38, 1-based): chr9:114,243,523, A>G. VCF-style: chr9-114243523-A-G. GRCh37 (hg19) VCF-style: chr9-117005803-A-G.
Other names: short protein forms K966R.
Identifiers: ClinVar variation 3902419 (VCV003902419.1).